The following is an entry in ClinVar:

NM_001378778.1(MPDZ):c.361G>T (p.Glu121Ter)

Gene: MPDZ (multiple PDZ domain crumbs cell polarity complex component; minus strand). Cytogenetic location: 9p23.
Variant type: single nucleotide variant.
Coding change: c.361G>T on transcript NM_001378778.1 (MANE Select); coding-DNA position 361, G replaced by T.
Protein change: p.Glu121Ter; replaces glutamic acid 121 with a stop codon.
Molecular consequence: nonsense.
Genome position (GRCh38, 1-based): chr9:13,224,406, C>A on the plus strand (G>T on the coding strand, the complement: MPDZ is on the minus strand). VCF-style: chr9-13224406-C-A. GRCh37 (hg19) VCF-style: chr9-13224405-C-A.
Other names: c.361G>T, p.Glu121Ter (NM_001261406.2, NM_001261407.2, NM_001330637.2 and 14 more transcripts); short protein forms E121*.
Identifiers: ClinVar variation 2134930 (VCV002134930.4), dbSNP rs754211939, ClinGen allele CA372948015.

ClinVar aggregate classification (germline): Pathogenic (1 of 4 stars; one submission).

Submission:

Labcorp Genetics (formerly Invitae), Labcorp
Classification: Pathogenic. Last evaluated: 2022-05-07. Review status: criteria provided, single submitter. Criteria: Invitae Variant Classification Sherloc (09022015). Collection method: clinical testing. Allele origin: germline.
Comment: For these reasons, this variant has been classified as Pathogenic. This variant has not been reported in the literature in individuals affected with MPDZ-related conditions. This variant is not present in population databases (gnomAD no frequency). This sequence change creates a premature translational stop signal (p.Glu121*) in the MPDZ gene. It is expected to result in an absent or disrupted protein product. Loss-of-function variants in MPDZ are known to be pathogenic (PMID: 23240096, 28556411).

Literature cited by the submitters: PubMed 23240096; PubMed 28556411.